The following is an entry in ClinVar:

ClinVar aggregate classification (germline): Likely pathogenic (0 of 4 stars; one submission).

Submission:

Diagnostics Centre, Carl Von Ossietzky University Oldenburg
Classification: Likely pathogenic. Last evaluated: 2025-07-08. Review status: no assertion criteria provided. Collection method: clinical testing. Allele origin: germline. Affected: yes. Observed: 1 variant allele.
Comment: The variant CREBBP:c.1235C>G p (Ser412Ter), located in the exon 5 of the CREBBP results from a cytosine-to-guanine substitution at nucleotide position c.1235. This change results in the formation of a premature stop codon at protein position 412. The variant affects an exon [5/21] present in a biologically relevant transcript and is predicted to cause protein truncation/absent due to nonsense mediated decay, in a gene where loss-of-function is a known mechanism of disease. The variant has not yet been described in Clinvar or in any publications known to us. The variant is classified as very rare since it is absent in gnomAD v4.1.0. In summary, the variant is classified as Likely pathogenic.

NM_004380.3(CREBBP):c.1235C>G (p.Ser412Ter)

Gene: CREBBP (CREB binding lysine acetyltransferase; minus strand). Cytogenetic location: 16p13.3.
Variant type: single nucleotide variant.
Coding change: c.1235C>G on transcript NM_004380.3 (MANE Select); coding-DNA position 1235, C replaced by G.
Protein change: p.Ser412Ter; replaces serine 412 with a stop codon.
Molecular consequence: nonsense. On other transcripts: intron variant (1).
Genome position (GRCh38, 1-based): chr16:3,792,076, G>C on the plus strand (C>G on the coding strand, the complement: CREBBP is on the minus strand). VCF-style: chr16-3792076-G-C. GRCh37 (hg19) VCF-style: chr16-3842077-G-C.
Other names: c.1216+1310C>G (NM_001079846.1); short protein forms S412*.
Identifiers: ClinVar variation 4845253 (VCV004845253.1).